The following is an entry in ClinVar:

ClinVar aggregate classification (germline): Uncertain significance (1 of 4 stars; one submission).

gnomAD v4.1: 3 of 1,595,610 alleles (0.00019%); highest among the groups gnomAD compares: South Asian, 0.0034%; no homozygotes.

Submission:

Labcorp Genetics (formerly Invitae), Labcorp
Classification: Uncertain significance. Last evaluated: 2024-10-17. Review status: criteria provided, single submitter. Criteria: Invitae Variant Classification Sherloc (09022015). Collection method: clinical testing. Allele origin: germline.
Comment: This sequence change replaces serine, which is neutral and polar, with arginine, which is basic and polar, at codon 91 of the KRT10 protein (p.Ser91Arg). This variant is present in population databases (rs759192704, gnomAD 0.004%). This variant has not been reported in the literature in individuals affected with KRT10-related conditions. Invitae Evidence Modeling of protein sequence and biophysical properties (such as structural, functional, and spatial information, amino acid conservation, physicochemical variation, residue mobility, and thermodynamic stability) indicates that this missense variant is not expected to disrupt KRT10 protein function with a negative predictive value of 80%. In summary, the available evidence is currently insufficient to determine the role of this variant in disease. Therefore, it has been classified as a Variant of Uncertain Significance.

NM_000421.5(KRT10):c.273T>A (p.Ser91Arg)

Genes: KRT10 (keratin 10; minus strand), KRT10-AS1 (KRT10 antisense RNA 1; plus strand). Cytogenetic location: 17q21.2.
Variant type: single nucleotide variant.
Coding change: c.273T>A on transcript NM_000421.5 (MANE Select); coding-DNA position 273, T replaced by A.
Protein change: p.Ser91Arg; replaces serine 91 with arginine.
Molecular consequence: missense variant.
Genome position (GRCh38, 1-based): chr17:40,822,313, A>T on the plus strand (T>A on the coding strand, the complement: KRT10 is on the minus strand). VCF-style: chr17-40822313-A-T. GRCh37 (hg19) VCF-style: chr17-38978565-A-T.
Other names: c.273T>A, p.Ser91Arg (NM_001379366.1); short protein forms S91R.
Identifiers: ClinVar variation 3685688 (VCV003685688.2).